The following is an entry in ClinVar:

NM_001080477.4(TENM3):c.4487G>A (p.Arg1496Gln)

Gene: TENM3 (teneurin transmembrane protein 3; plus strand). Cytogenetic location: 4q35.1.
Variant type: single nucleotide variant.
Coding change: c.4487G>A on transcript NM_001080477.4 (MANE Select); coding-DNA position 4487, G replaced by A.
Protein change: p.Arg1496Gln; replaces arginine 1496 with glutamine.
Molecular consequence: missense variant.
Genome position (GRCh38, 1-based): chr4:182,754,854, G>A. VCF-style: chr4-182754854-G-A. GRCh37 (hg19) VCF-style: chr4-183676007-G-A.
Other names: c.3719G>A, p.Arg1240Gln (NM_001415960.1); c.3692G>A, p.Arg1231Gln (NM_001415961.1); c.3689G>A, p.Arg1230Gln (NM_001415962.1); c.3671G>A, p.Arg1224Gln (NM_001415963.1); c.3668G>A, p.Arg1223Gln (NM_001415964.1); c.4205G>A, p.Arg1402Gln (NM_001415966.1); c.4229G>A, p.Arg1410Gln (NM_001415967.1); c.4505G>A, p.Arg1502Gln (NM_001415968.1); and 4 more; short protein forms R1223Q, R1224Q, R1230Q, R1231Q, R1240Q, R1402Q, R1403Q, R1410Q.
Identifiers: ClinVar variation 2500797 (VCV002500797.2), dbSNP rs560899919, ClinGen allele CA3148433.

ClinVar aggregate classification (germline): Uncertain significance (1 of 4 stars; one submission).

Conditions:
Microphthalmia, isolated, with coloboma 9 (MCOPCB9). Identifiers: Orphanet 98938, MedGen C3554592, MONDO:0014059, OMIM 615145.

Allele frequency attached by ClinVar (database versions not stated): ExAC 0.00001; gnomAD exomes 0.00001.
gnomAD v4.1: 14 of 1,613,960 alleles (0.00087%); highest among the groups gnomAD compares: South Asian, 0.0077%; no homozygotes.

Submission:

Victorian Clinical Genetics Services, Murdoch Childrens Research Institute
Classification: Uncertain significance for Microphthalmia, isolated, with coloboma 9. Last evaluated: 2021-05-06. Review status: criteria provided, single submitter. Criteria: ACMG Guidelines, 2015. Collection method: clinical testing. Allele origin: germline. Inheritance: Autosomal recessive inheritance. Affected: yes.
Comment: Based on the classification scheme VCGS_Germline_v1.3.4, this variant is classified as VUS-3A. Following criteria are met: 0102 - Loss of function is a known mechanism of disease in this gene and is associated with syndromic microphthalmia 15 (MIM# 615145). (I) 0106 - This gene is associated with autosomal recessive disease. (I) 0200 - Variant is predicted to result in a missense amino acid change from arginine to glutamine. (I) 0251 - This variant is heterozygous. (I) 0304 - Variant is present in gnomAD (v2) <0.01 for a recessive condition (5 heterozygotes, 0 homozygotes). (SP) 0309 - An alternative amino acid change at the same position has been observed in gnomAD (v2) (7 heterozygotes, 0 homozygotes). (I) 0502 - Missense variant with conflicting in silico predictions and uninformative conservation. (I) 0600 - Variant is located in the annotated C-terminal globular domain (PMID: 30513139). (I) 0705 - No comparable missense variants have previous evidence for pathogenicity. (I) 0807 - This variant has no previous evidence of pathogenicity. (I) 0905 - No published segregation evidence has been identified for this variant. (I) 1007 - No published functional evidence has been identified for this variant. (I) Legend: (SP) - Supporting pathogenic, (I) - Information, (SB) - Supporting benign

Literature cited by the submitters: PubMed 30513139.